The following is an entry in ClinVar:

ClinVar aggregate classification (germline): Uncertain significance (1 of 4 stars; one submission).

Conditions:
Generalized epilepsy with febrile seizures plus, type 7 (GEFSP7). Also called: GEFS+, TYPE 7. Identifiers: Orphanet 36387, MedGen C2751778, MONDO:0013470, OMIM 613863.
Neuropathy, hereditary sensory and autonomic, type 2A (HSAN2A). Also called: WNK1-Related HSAN2 (HSAN2A); MORVAN DISEASE; NEUROPATHY, CONGENITAL SENSORY; NEUROPATHY, HEREDITARY SENSORY RADICULAR, AUTOSOMAL RECESSIVE; NEUROPATHY, HEREDITARY SENSORY, TYPE IIA; NEUROPATHY, PROGRESSIVE SENSORY, OF CHILDREN. Identifiers: Orphanet 970, MedGen C2752089, MONDO:0024309, OMIM 201300.

Submission:

Labcorp Genetics (formerly Invitae), Labcorp
Classification: Uncertain significance for Neuropathy, hereditary sensory and autonomic, type 2A; Generalized epilepsy with febrile seizures plus, type 7. Last evaluated: 2020-12-12. Review status: criteria provided, single submitter. Criteria: Invitae Variant Classification Sherloc (09022015). Collection method: clinical testing. Allele origin: germline.
Comment: This variant has not been reported in the literature in individuals with SCN9A-related conditions. This variant is not present in population databases (ExAC no frequency). This sequence change replaces methionine with threonine at codon 925 of the SCN9A protein (p.Met925Thr). The methionine residue is highly conserved and there is a moderate physicochemical difference between methionine and threonine. Algorithms developed to predict the effect of missense changes on protein structure and function (SIFT, PolyPhen-2, Align-GVGD) all suggest that this variant is likely to be disruptive, but these predictions have not been confirmed by published functional studies and their clinical significance is uncertain. In summary, the available evidence is currently insufficient to determine the role of this variant in disease. Therefore, it has been classified as a Variant of Uncertain Significance.

NM_001365536.1(SCN9A):c.2807T>C (p.Met936Thr)

Genes: SCN9A (sodium voltage-gated channel alpha subunit 9; minus strand), SCN1A-AS1 (SCN1A and SCN9A antisense RNA 1; plus strand). Cytogenetic location: 2q24.3.
Variant type: single nucleotide variant.
Coding change: c.2807T>C on transcript NM_001365536.1 (MANE Select); coding-DNA position 2807, T replaced by C.
Protein change: p.Met936Thr; replaces methionine 936 with threonine.
Molecular consequence: missense variant.
Genome position (GRCh38, 1-based): chr2:166,277,050, A>G on the plus strand (T>C on the coding strand, the complement: SCN9A is on the minus strand). VCF-style: chr2-166277050-A-G. GRCh37 (hg19) VCF-style: chr2-167133560-A-G.
Other names: c.2774T>C, p.Met925Thr (NM_002977.4); short protein forms M925T, M936T.
Identifiers: ClinVar variation 1355928 (VCV001355928.8), dbSNP rs2106468773, ClinGen allele CA349077283.